The following is an entry in ClinVar:

NM_022835.3(PLEKHG2):c.956C>T (p.Ala319Val)

Gene: PLEKHG2 (pleckstrin homology and RhoGEF domain containing G2; plus strand). Cytogenetic location: 19q13.2.
Variant type: single nucleotide variant.
Coding change: c.956C>T on transcript NM_022835.3 (MANE Select); coding-DNA position 956, C replaced by T.
Protein change: p.Ala319Val; replaces alanine 319 with valine.
Molecular consequence: missense variant.
Genome position (GRCh38, 1-based): chr19:39,417,978, C>T. VCF-style: chr19-39417978-C-T. GRCh37 (hg19) VCF-style: chr19-39908618-C-T.
Other names: c.779C>T, p.Ala260Val (NM_001351693.2); c.956C>T, p.Ala319Val (NM_001351694.2); c.956C>T (NM_022835.2); short protein forms A260V, A319V.
Identifiers: ClinVar variation 1501686 (VCV001501686.8), dbSNP rs202210221, ClinGen allele CA9429297.

ClinVar aggregate classification (germline): Uncertain significance. Review status: criteria provided, multiple submitters, no conflicts (2 of 4 stars). 2 submissions from 2 submitters: Uncertain significance (2). Last evaluated 2025-12-22.

Allele frequency attached by ClinVar (database versions not stated): gnomAD 0.00001 and 0.00002; gnomAD exomes 0.00005; ExAC 0.00006; 1000 Genomes Project 0.00020; 1000 Genomes Project 30x 0.00031.

Submissions (2):

Ambry Genetics
Classification: Uncertain significance. Last evaluated: 2025-12-22. Review status: criteria provided, single submitter. Criteria: Ambry Variant Classification Scheme 2023. Collection method: clinical testing. Allele origin: germline.

Labcorp Genetics (formerly Invitae), Labcorp
Classification: Uncertain significance. Last evaluated: 2021-09-26. Review status: criteria provided, single submitter. Criteria: Invitae Variant Classification Sherloc (09022015). Collection method: clinical testing. Allele origin: germline.
Comment: This sequence change replaces alanine with valine at codon 319 of the PLEKHG2 protein (p.Ala319Val). The alanine residue is moderately conserved and there is a small physicochemical difference between alanine and valine. This variant is present in population databases (rs202210221, ExAC 0.04%). In summary, the available evidence is currently insufficient to determine the role of this variant in disease. Therefore, it has been classified as a Variant of Uncertain Significance. Algorithms developed to predict the effect of missense changes on protein structure and function are either unavailable or do not agree on the potential impact of this missense change (SIFT: "Deleterious"; PolyPhen-2: "Benign"; Align-GVGD: "Class C0"). This variant has not been reported in the literature in individuals affected with PLEKHG2-related conditions.